The following is an entry in ClinVar:

NM_001540.5(HSPB1):c.134G>A (p.Trp45Ter)

Gene: HSPB1 (heat shock protein family B (small) member 1; plus strand). Cytogenetic location: 7q11.23.
Variant type: single nucleotide variant.
Coding change: c.134G>A on transcript NM_001540.5 (MANE Select); coding-DNA position 134, G replaced by A.
Protein change: p.Trp45Ter; replaces tryptophan 45 with a stop codon.
Molecular consequence: nonsense.
Genome position (GRCh38, 1-based): chr7:76,302,846, G>A. VCF-style: chr7-76302846-G-A. GRCh37 (hg19) VCF-style: chr7-75932163-G-A.
Other names: short protein forms W45*.
Identifiers: ClinVar variation 1036973 (VCV001036973.6), dbSNP rs753747742, ClinGen allele CA4306265.

ClinVar aggregate classification (germline): Uncertain significance (1 of 4 stars; one submission).

Conditions:
Charcot-Marie-Tooth disease axonal type 2F (CMT2F). Also called: CHARCOT-MARIE-TOOTH DISEASE, NEURONAL, TYPE 2F; Charcot-Marie-Tooth Neuropathy Type 2F. Identifiers: Orphanet 99940, MedGen C1847823, MONDO:0011687, OMIM 606595.

Allele frequency attached by ClinVar (database versions not stated): gnomAD exomes below 0.00001; TOPMed below 0.00001; ExAC 0.00002.
gnomAD v4.1: 2 of 1,598,612 alleles (0.00013%); highest among the groups gnomAD compares: Non-Finnish European, 0.000085%; no homozygotes.

Submission:

Labcorp Genetics (formerly Invitae), Labcorp
Classification: Uncertain significance for Charcot-Marie-Tooth disease axonal type 2F. Last evaluated: 2021-06-12. Review status: criteria provided, single submitter. Criteria: Invitae Variant Classification Sherloc (09022015). Collection method: clinical testing. Allele origin: germline.
Comment: In summary, the available evidence is currently insufficient to determine the role of this variant in disease. Therefore, it has been classified as a Variant of Uncertain Significance. The current clinical and genetic evidence is not sufficient to establish whether loss-of-function variants in HSPB1 cause disease. This variant has not been reported in the literature in individuals with HSPB1-related conditions. This variant is present in population databases (rs753747742, ExAC 0.003%). This sequence change creates a premature translational stop signal (p.Trp45*) in the HSPB1 gene. It is expected to result in an absent or disrupted protein product.